The following is an entry in ClinVar:

ClinVar aggregate classification (germline): Likely pathogenic. Review status: criteria provided, multiple submitters, no conflicts (2 of 4 stars). 2 submissions from 2 submitters: Likely pathogenic (2). Last evaluated 2024-06-04.

Conditions:
Osteogenesis imperfecta (OI). Identifiers: Orphanet 666, MedGen C0029434, MeSH D010013, MONDO:0019019.
Osteogenesis imperfecta, perinatal lethal (OI2). Also called: Osteogenesis imperfecta type 2; OI, TYPE II; OSTEOGENESIS IMPERFECTA CONGENITA; OSTEOGENESIS IMPERFECTA, TYPE II; VROLIK TYPE OF OSTEOGENESIS IMPERFECTA; Osteogenesis imperfecta, dominant perinatal lethal. Identifiers: Orphanet 216804, MedGen C0268358, MONDO:0008147, OMIM 166210.

Submissions (2):

Clinical Genetics Laboratory, Skane University Hospital Lund
Classification: Likely pathogenic for Osteogenesis imperfecta. Last evaluated: 2024-06-04. Review status: criteria provided, single submitter. Criteria: ACMG Guidelines, 2015. Collection method: clinical testing. Allele origin: germline. Affected: yes.
Comment: PM1, PM2, PM5, PP3

Institute of Human Genetics, Cologne University
Classification: Likely pathogenic for Osteogenesis imperfecta, perinatal lethal. Last evaluated: 2022-04-11. Review status: criteria provided, single submitter. Criteria: ACMG Guidelines, 2015. Collection method: clinical testing. Allele origin: germline. Affected: yes.

NM_000088.4(COL1A1):c.1399G>A (p.Gly467Arg)

Gene: COL1A1 (collagen type I alpha 1 chain; minus strand). Cytogenetic location: 17q21.33.
Variant type: single nucleotide variant.
Coding change: c.1399G>A on transcript NM_000088.4 (MANE Select); coding-DNA position 1399, G replaced by A.
Protein change: p.Gly467Arg; replaces glycine 467 with arginine.
Molecular consequence: missense variant.
Genome position (GRCh38, 1-based): chr17:50,194,783, C>T on the plus strand (G>A on the coding strand, the complement: COL1A1 is on the minus strand). VCF-style: chr17-50194783-C-T. GRCh37 (hg19) VCF-style: chr17-48272144-C-T.
Other names: short protein forms G467R.
Identifiers: ClinVar variation 1678538 (VCV001678538.2), dbSNP rs2144573313, ClinGen allele CA400218368.
Genomic context (GRCh38, chr17:50,194,783, plus strand): 5'-GCTCGCCAGGGGGTCCGGGCAGGCCAGTGGGTCCGGGTTCACCTCGAGCTCCTCGCTTTC[C>T]TTCCTCTCCAGCAGGGCCAGGGGGTCCTTGAACACCAACAGGGCCCTGGAGAGGGCCGAG-3'
Protein context (NP_000079.2, residues 457-477): QGPPGPAGEE[Gly467Arg]KRGARGEPGP